The following is an entry in ClinVar:

NM_006899.5(IDH3B):c.875C>T (p.Pro292Leu)

Gene: IDH3B (isocitrate dehydrogenase (NAD(+)) 3 non-catalytic subunit beta; minus strand). Cytogenetic location: 20p13.
Variant type: single nucleotide variant.
Coding change: c.875C>T on transcript NM_006899.5 (MANE Select); coding-DNA position 875, C replaced by T.
Protein change: p.Pro292Leu; replaces proline 292 with leucine.
Molecular consequence: missense variant. On other transcripts: non-coding transcript variant (1).
Genome position (GRCh38, 1-based): chr20:2,660,070, G>A on the plus strand (C>T on the coding strand, the complement: IDH3B is on the minus strand). VCF-style: chr20-2660070-G-A. GRCh37 (hg19) VCF-style: chr20-2640716-G-A.
Other names: c.875C>T, p.Pro292Leu (NM_001258384.3, NM_001330763.2, NM_174855.4); short protein forms P292L.
Identifiers: ClinVar variation 1508756 (VCV001508756.6), dbSNP rs2146308938, ClinGen allele CA408035344.

ClinVar aggregate classification (germline): Uncertain significance (1 of 4 stars; one submission).

Allele frequency attached by ClinVar (database versions not stated): gnomAD exomes below 0.00001.

Submission:

Labcorp Genetics (formerly Invitae), Labcorp
Classification: Uncertain significance. Last evaluated: 2022-03-09. Review status: criteria provided, single submitter. Criteria: Invitae Variant Classification Sherloc (09022015). Collection method: clinical testing. Allele origin: germline.
Comment: This variant has not been reported in the literature in individuals affected with IDH3B-related conditions. This sequence change replaces proline with leucine at codon 292 of the IDH3B protein (p.Pro292Leu). The proline residue is highly conserved and there is a moderate physicochemical difference between proline and leucine. This variant is not present in population databases (gnomAD no frequency). Algorithms developed to predict the effect of missense changes on protein structure and function are either unavailable or do not agree on the potential impact of this missense change (SIFT: "Not Available"; PolyPhen-2: "Probably Damaging"; Align-GVGD: "Not Available"). In summary, the available evidence is currently insufficient to determine the role of this variant in disease. Therefore, it has been classified as a Variant of Uncertain Significance.